The following is an entry in ClinVar:

NM_144670.6(A2ML1):c.2234+2del

Gene: A2ML1 (alpha-2-macroglobulin like 1; plus strand). Cytogenetic location: 12p13.31.
Variant type: Deletion.
Coding change: c.2234+2del on transcript NM_144670.6 (MANE Select); the canonical splice donor site of the intron after coding-DNA position 2234, one base deleted (T; older notation c.2234+2delT).
Molecular consequence: splice donor variant.
Genome position (GRCh38, 1-based): chr12:8,850,276, T deleted. VCF-style (leftmost placement, unchanged base first): chr12-8850275-GT-G. GRCh37 (hg19) VCF-style: chr12-9002871-GT-G.
Other names: c.761+2del (NM_001282424.3).
Identifiers: ClinVar variation 2194897 (VCV002194897.4), dbSNP rs2539252002, ClinGen allele CA2575071543.

ClinVar aggregate classification (germline): Uncertain significance (1 of 4 stars; one submission).

Allele frequency attached by ClinVar (database versions not stated): gnomAD exomes 0.00003.

Submission:

Labcorp Genetics (formerly Invitae), Labcorp
Classification: Uncertain significance. Last evaluated: 2024-02-23. Review status: criteria provided, single submitter. Criteria: Invitae Variant Classification Sherloc (09022015). Collection method: clinical testing. Allele origin: germline.
Comment: This sequence change affects a splice site in intron 18 of the A2ML1 gene. It is expected to disrupt RNA splicing. Variants that disrupt the donor or acceptor splice site typically lead to a loss of protein function (PMID: 16199547), however the current clinical and genetic evidence is not sufficient to establish whether loss-of-function variants in A2ML1 cause disease. This variant is not present in population databases (gnomAD no frequency). This variant has not been reported in the literature in individuals affected with A2ML1-related conditions. ClinVar contains an entry for this variant (Variation ID: 2194897). Algorithms developed to predict the effect of sequence changes on RNA splicing suggest that this variant may disrupt the consensus splice site. In summary, the available evidence is currently insufficient to determine the role of this variant in disease. Therefore, it has been classified as a Variant of Uncertain Significance.

Literature cited by the submitters: PubMed 16199547.